The following is an entry in ClinVar:

NM_001082538.3(TCTN1):c.1038C>T (p.Phe346=)

Gene: TCTN1 (tectonic family member 1; plus strand). Cytogenetic location: 12q24.11.
Variant type: single nucleotide variant.
Coding change: c.1038C>T on transcript NM_001082538.3 (MANE Select); coding-DNA position 1038, C replaced by T.
Protein change: p.Phe346=; no amino-acid change (phenylalanine 346 retained).
Molecular consequence: synonymous variant. On other transcripts: non-coding transcript variant (1).
Genome position (GRCh38, 1-based): chr12:110,641,083, C>T. VCF-style: chr12-110641083-C-T. GRCh37 (hg19) VCF-style: chr12-111078888-C-T.
Other names: c.1038C>T, p.Phe346= (NM_001082537.3, NM_001319680.2); c.870C>T, p.Phe290= (NM_001173975.3); c.858C>T, p.Phe286= (NM_001173976.2); c.504C>T, p.Phe168= (NM_001319681.2); c.996C>T, p.Phe332= (NM_024549.6).
Identifiers: ClinVar variation 1633608 (VCV001633608.11), dbSNP rs377300877, ClinGen allele CA6786798.

ClinVar aggregate classification (germline): Likely benign. Review status: criteria provided, multiple submitters, no conflicts (2 of 4 stars). 3 submissions from 3 submitters: Likely benign (3). Last evaluated 2026-06-01.

Conditions:
Meckel-Gruber syndrome. Also called: Dysencephalia splachnocystica; DYSENCEPHALIA SPLANCHNOCYSTICA; GRUBER SYNDROME. Identifiers: Orphanet 564, MedGen C0265215, MONDO:0018921.
Joubert syndrome. Also called: JOUBERT-BOLTSHAUSER SYNDROME; Familial aplasia of the vermis. Identifiers: Orphanet 475, MedGen C5979921, MONDO:0018772.

Allele frequency attached by ClinVar (database versions not stated): ExAC 0.00010; gnomAD exomes 0.00010; 1000 Genomes Project 30x 0.00016; 1000 Genomes Project 0.00020; gnomAD 0.00028 and 0.00031; TOPMed 0.00033; ESP Exome Variant Server 0.00049.
gnomAD v4.1: 112 of 1,614,234 alleles (0.0069%); highest among the groups gnomAD compares: African/African-American, 0.13%; no homozygotes.

Submissions (3):

CeGaT Center for Human Genetics Tuebingen
Classification: Likely benign. Last evaluated: 2026-06-01. Review status: criteria provided, single submitter. Criteria: CeGaT Center For Human Genetics Tuebingen Variant Classification Criteria Version 2. Collection method: clinical testing. Allele origin: germline. Affected: yes. Observed: 1 variant allele.
Comment: TCTN1: BP4, BP7

Labcorp Genetics (formerly Invitae), Labcorp
Classification: Likely benign for Joubert syndrome; Meckel-Gruber syndrome. Last evaluated: 2025-11-19. Review status: criteria provided, single submitter. Criteria: Invitae Variant Classification Sherloc (09022015). Collection method: clinical testing. Allele origin: germline.

Blueprint Genetics
Classification: Likely benign. Last evaluated: 2024-08-08. Review status: criteria provided, single submitter. Criteria: ACMG Guidelines, 2015. Collection method: clinical testing. Allele origin: germline.